The following is an entry in ClinVar:

ClinVar aggregate classification (germline): Uncertain significance (1 of 4 stars; one submission).

Conditions:
DOCK2 deficiency. Also called: Immunodeficiency 40. Identifiers: Orphanet 447737, MedGen C4225328, MONDO:0014637, OMIM 616433.

Allele frequency attached by ClinVar (database versions not stated): gnomAD exomes 0.00001.
gnomAD v4.1: 8 of 1,614,138 alleles (0.0005%); highest among the groups gnomAD compares: African/African-American, 0.0027%; no homozygotes.

Submission:

Labcorp Genetics (formerly Invitae), Labcorp
Classification: Uncertain significance for DOCK2 deficiency. Last evaluated: 2022-11-22. Review status: criteria provided, single submitter. Criteria: Invitae Variant Classification Sherloc (09022015). Collection method: clinical testing. Allele origin: germline.
Comment: This sequence change replaces isoleucine, which is neutral and non-polar, with valine, which is neutral and non-polar, at codon 1684 of the DOCK2 protein (p.Ile1684Val). In summary, the available evidence is currently insufficient to determine the role of this variant in disease. Therefore, it has been classified as a Variant of Uncertain Significance. Algorithms developed to predict the effect of missense changes on protein structure and function (SIFT, PolyPhen-2, Align-GVGD) all suggest that this variant is likely to be tolerated. This variant has not been reported in the literature in individuals affected with DOCK2-related conditions. This variant is not present in population databases (gnomAD no frequency).

NM_004946.3(DOCK2):c.5050A>G (p.Ile1684Val)

Gene: DOCK2 (dedicator of cytokinesis 2; plus strand). Cytogenetic location: 5q35.1.
Variant type: single nucleotide variant.
Coding change: c.5050A>G on transcript NM_004946.3 (MANE Select); coding-DNA position 5050, A replaced by G.
Protein change: p.Ile1684Val; replaces isoleucine 1684 with valine.
Molecular consequence: missense variant. On other transcripts: non-coding transcript variant (1).
Genome position (GRCh38, 1-based): chr5:170,079,030, A>G. VCF-style: chr5-170079030-A-G. GRCh37 (hg19) VCF-style: chr5-169506034-A-G.
Other names: short protein forms I1684V.
Identifiers: ClinVar variation 2105370 (VCV002105370.4), dbSNP rs2532516933, ClinGen allele CA362116277.